The following is an entry in ClinVar:

ClinVar aggregate classification (germline): Uncertain significance. Review status: criteria provided, multiple submitters, no conflicts (2 of 4 stars). 2 submissions from 2 submitters: Uncertain significance (2). Last evaluated 2025-11-18.

Conditions:
Cardiovascular phenotype. Identifiers: MedGen CN230736.
Progressive familial heart block type IB (PFHB1B). Identifiers: Orphanet 871, MedGen C1970298, MONDO:0011474, OMIM 604559.

Allele frequency attached by ClinVar (database versions not stated): TOPMed 0.00002; gnomAD 0.00004; ESP Exome Variant Server 0.00008.
gnomAD v4.1: 111 of 1,613,792 alleles (0.0069%); highest among the groups gnomAD compares: Non-Finnish European, 0.0088%; 1 homozygote.

Submissions (2):

Labcorp Genetics (formerly Invitae), Labcorp
Classification: Uncertain significance for Progressive familial heart block type IB. Last evaluated: 2025-11-18. Review status: criteria provided, single submitter. Criteria: Invitae Variant Classification Sherloc (09022015). Collection method: clinical testing. Allele origin: germline.
Comment: This sequence change replaces alanine, which is neutral and non-polar, with threonine, which is neutral and polar, at codon 696 of the TRPM4 protein (p.Ala696Thr). This variant is present in population databases (rs371404627, gnomAD 0.007%). This variant has not been reported in the literature in individuals affected with TRPM4-related conditions. ClinVar contains an entry for this variant (Variation ID: 1025373). An algorithm developed to predict the effect of missense changes on protein structure and function outputs the following: PolyPhen-2: "Benign". The threonine amino acid residue is found in multiple mammalian species, which suggests that this missense change does not adversely affect protein function. In summary, the available evidence is currently insufficient to determine the role of this variant in disease. Therefore, it has been classified as a Variant of Uncertain Significance.

Ambry Genetics
Classification: Uncertain significance for Cardiovascular phenotype. Last evaluated: 2024-09-02. Review status: criteria provided, single submitter. Criteria: Ambry Variant Classification Scheme 2023. Collection method: clinical testing. Allele origin: germline.

NM_017636.4(TRPM4):c.2086G>A (p.Ala696Thr)

Gene: TRPM4 (transient receptor potential cation channel subfamily M member 4; plus strand). Cytogenetic location: 19q13.33.
Variant type: single nucleotide variant.
Coding change: c.2086G>A on transcript NM_017636.4 (MANE Select); coding-DNA position 2086, G replaced by A.
Protein change: p.Ala696Thr; replaces alanine 696 with threonine.
Molecular consequence: missense variant.
Genome position (GRCh38, 1-based): chr19:49,190,274, G>A. VCF-style: chr19-49190274-G-A. GRCh37 (hg19) VCF-style: chr19-49693531-G-A.
Other names: c.2086G>A, p.Ala696Thr (NM_001195227.2); c.1741G>A, p.Ala581Thr (NM_001321281.2); c.478G>A, p.Ala160Thr (NM_001321282.2); c.1564G>A, p.Ala522Thr (NM_001321283.2); c.1024G>A, p.Ala342Thr (NM_001321285.2); short protein forms A160T, A342T, A522T, A581T, A696T.
Identifiers: ClinVar variation 1025373 (VCV001025373.10), dbSNP rs371404627, ClinGen allele CA9569429.
Genomic context (GRCh38, chr19:49,190,274, plus strand): 5'-CTGACACAGAAGTGGTGGGGAGATATGGCCAGCACTACACCCATCTGGGCCCTGGTTCTC[G>A]CCTTCTTTTGCCCTCCACTCATCTACACCCGCCTCATCACCTTCAGGTCAGTACCCTGGG-3'
Protein context (NP_060106.2, residues 686-706): STTPIWALVL[Ala696Thr]FFCPPLIYTR